The following is an entry in ClinVar:

NM_000138.5(FBN1):c.3661T>C (p.Cys1221Arg)

Gene: FBN1 (fibrillin 1; minus strand). Cytogenetic location: 15q21.1.
Variant type: single nucleotide variant.
Coding change: c.3661T>C on transcript NM_000138.5 (MANE Select); coding-DNA position 3661, T replaced by C.
Protein change: p.Cys1221Arg; replaces cysteine 1221 with arginine.
Molecular consequence: missense variant.
Genome position (GRCh38, 1-based): chr15:48,485,425, A>G on the plus strand (T>C on the coding strand, the complement: FBN1 is on the minus strand). VCF-style: chr15-48485425-A-G. GRCh37 (hg19) VCF-style: chr15-48777622-A-G.
Other names: short protein forms C1221R.
Identifiers: ClinVar variation 1456223 (VCV001456223.6), dbSNP rs2141291310, ClinGen allele CA392324430.

ClinVar aggregate classification (germline): Pathogenic (1 of 4 stars; one submission).

Conditions:
Marfan syndrome (MFS). Also called: MARFAN SYNDROME, TYPE I; Marfan syndrome type 1; Marfan's syndrome; Marfan syndrome, classic; FBN1-Related Marfan Syndrome. Identifiers: Orphanet 284963, Orphanet 558, MedGen C0024796, MONDO:0007947, OMIM 154700.
Familial thoracic aortic aneurysm and aortic dissection (TAAD). Also called: Thoracic aortic aneurysms and dissections. Identifiers: Orphanet 91387, MedGen C4707243, MONDO:0019625.

Submission:

Labcorp Genetics (formerly Invitae), Labcorp
Classification: Pathogenic for Marfan syndrome; Familial thoracic aortic aneurysm and aortic dissection. Last evaluated: 2021-11-21. Review status: criteria provided, single submitter. Criteria: Invitae Variant Classification Sherloc (09022015). Collection method: clinical testing. Allele origin: germline.
Comment: For these reasons, this variant has been classified as Pathogenic. This variant affects a cysteine residue in the EGF-like, TGFBP or hybrid motif domains of FBN1. Cysteine residues are believed to be involved in intramolecular disulfide bridges and have been shown to be important for FBN1 protein structure (PMID: 16905551, 19349279). In addition, missense substitutions affecting cysteine residues within these domains are significantly overrepresented among patients with Marfan syndrome (PMID: 16571647, 17701892). Advanced modeling of protein sequence and biophysical properties (such as structural, functional, and spatial information, amino acid conservation, physicochemical variation, residue mobility, and thermodynamic stability) performed at Invitae indicates that this missense variant is expected to disrupt FBN1 protein function. This missense change has been observed in individual(s) with Marfan syndrome (PMID: 31061752). This variant is not present in population databases (gnomAD no frequency). This sequence change replaces cysteine, which is neutral and slightly polar, with arginine, which is basic and polar, at codon 1221 of the FBN1 protein (p.Cys1221Arg).

Literature cited by the submitters: PubMed 16905551; PubMed 19349279; PubMed 16571647; PubMed 17701892; PubMed 31061752.